The following is an entry in ClinVar:

ClinVar aggregate classification (germline): Uncertain significance. Review status: criteria provided, multiple submitters, no conflicts (2 of 4 stars). 2 submissions from 2 submitters: Uncertain significance (2). Last evaluated 2025-11-18.

Conditions:
Charcot-Marie-Tooth disease dominant intermediate B (CMTDIB). Also called: Charcot-Marie-Tooth disease dominant intermediate 1; CMT DI1; Charcot-Marie-Tooth disease dominant intermediate I; CHARCOT-MARIE-TOOTH NEUROPATHY, DOMINANT INTERMEDIATE B. Identifiers: Orphanet 100044, Orphanet 228179, MedGen C1847902, MONDO:0011674, OMIM 606482.

Allele frequency attached by ClinVar (database versions not stated): gnomAD exomes 0.00001.
gnomAD v4.1: 5 of 1,613,820 alleles (0.00031%); highest among the groups gnomAD compares: Non-Finnish European, 0.00042%; no homozygotes.

Submissions (2):

Labcorp Genetics (formerly Invitae), Labcorp
Classification: Uncertain significance for Charcot-Marie-Tooth disease dominant intermediate B. Last evaluated: 2025-11-18. Review status: criteria provided, single submitter. Criteria: Invitae Variant Classification Sherloc (09022015). Collection method: clinical testing. Allele origin: germline.
Comment: This sequence change replaces proline, which is neutral and non-polar, with leucine, which is neutral and non-polar, at codon 777 of the DNM2 protein (p.Pro777Leu). This variant is present in population databases (no rsID available, gnomAD 0.003%). This variant has not been reported in the literature in individuals affected with DNM2-related conditions. ClinVar contains an entry for this variant (Variation ID: 1002866). Invitae Evidence Modeling of protein sequence and biophysical properties (such as structural, functional, and spatial information, amino acid conservation, physicochemical variation, residue mobility, and thermodynamic stability) indicates that this missense variant is not expected to disrupt DNM2 protein function with a negative predictive value of 95%. In summary, the available evidence is currently insufficient to determine the role of this variant in disease. Therefore, it has been classified as a Variant of Uncertain Significance.

Revvity Omics, Revvity
Classification: Uncertain significance. Last evaluated: 2023-11-13. Review status: criteria provided, single submitter. Criteria: ACMG Guidelines, 2015. Collection method: clinical testing. Allele origin: germline.

NM_001005361.3(DNM2):c.2330C>T (p.Pro777Leu)

Gene: DNM2 (dynamin 2; plus strand). Cytogenetic location: 19p13.2.
Variant type: single nucleotide variant.
Coding change: c.2330C>T on transcript NM_001005361.3 (MANE Select); coding-DNA position 2330, C replaced by T.
Protein change: p.Pro777Leu; replaces proline 777 with leucine.
Molecular consequence: missense variant.
Genome position (GRCh38, 1-based): chr19:10,830,165, C>T. VCF-style: chr19-10830165-C-T. GRCh37 (hg19) VCF-style: chr19-10940841-C-T.
Other names: c.2330C>T (NM_001005360.2); c.2330C>T, p.Pro777Leu (NM_001005360.3, NM_001190716.2); c.2318C>T, p.Pro773Leu (NM_001005362.3, NM_004945.4); short protein forms P773L, P777L.
Identifiers: ClinVar variation 1002866 (VCV001002866.7), dbSNP rs1282571887, ClinGen allele CA404043695.